The following is an entry in ClinVar:

ClinVar aggregate classification (germline): Pathogenic (1 of 4 stars; one submission).

Submission:

ISCA Site 6
Classification: Pathogenic. Last evaluated: 2011-08-12. Review status: criteria provided, single submitter. Criteria: Kaminsky et al. (Genet Med. 2011). Collection method: clinical testing. Allele origin: de novo. Affected: yes. Observed: 1 variant allele.
Comment: Copy number variation identified through the course of routine clinical cytogenomic testing in postnatal populations. Clinical assertions have been curated as described in Kaminsky et al. 2011.

GRCh38/hg38 1q43-44(chr1:243225391-245289313)x1

Genes: ADSS2 (adenylosuccinate synthase 2; minus strand), AKT3 (AKT serine/threonine kinase 3; minus strand), AKT3-IT1 (AKT3 intronic transcript 1; minus strand), C1orf202 (chromosome 1 open reading frame 202; minus strand), CATSPERE (catsper channel auxiliary subunit epsilon; plus strand) and 63 more. Cytogenetic location: 1q43-44.
Variant type: copy number loss.
Change: copy number 1 (one copy instead of two) of chr1:243,225,391-245,289,313 (2.06 Mb, GRCh38 coordinates, 1-based), cytogenetic band 1q43-44.
Identifiers: ClinVar variation 60158 (VCV000060158.2).